The following is an entry in ClinVar:

NM_198098.4(AQP1):c.485G>A (p.Arg162His)

Gene: AQP1 (aquaporin 1 (Colton blood group); plus strand). Cytogenetic location: 7p14.3.
Variant type: single nucleotide variant.
Coding change: c.485G>A on transcript NM_198098.4 (MANE Select); coding-DNA position 485, G replaced by A.
Protein change: p.Arg162His; replaces arginine 162 with histidine.
Molecular consequence: missense variant.
Genome position (GRCh38, 1-based): chr7:30,922,166, G>A. VCF-style: chr7-30922166-G-A. GRCh37 (hg19) VCF-style: chr7-30961781-G-A.
Other names: c.485G>A (NM_198098.2); c.485G>A, p.Arg162His (NM_001329872.2); short protein forms R162H.
Identifiers: ClinVar variation 3019360 (VCV003019360.4), dbSNP rs886892554, ClinGen allele CA156120725.
Genomic context (GRCh38, chr7:30,922,166, plus strand): 5'-AGATCATCGGGACCCTCCAGCTGGTGCTATGCGTGCTGGCTACTACCGACCGGAGGCGCC[G>A]TGACCTTGGTGGCTCAGCCCCCCTTGCCATCGGCCTCTCTGTAGCCCTTGGACACCTCCT-3'
Protein context (NP_932766.1, residues 152-172): CVLATTDRRR[Arg162His]DLGGSAPLAI

ClinVar aggregate classification (germline): Uncertain significance. Review status: criteria provided, multiple submitters, no conflicts (2 of 4 stars). 2 submissions from 2 submitters: Uncertain significance (2). Last evaluated 2026-07-20.

Allele frequency attached by ClinVar (database versions not stated): TOPMed 0.00003; gnomAD 0.00001.
gnomAD v4.1: 16 of 1,613,112 alleles (0.00099%); highest among the groups gnomAD compares: Non-Finnish European, 0.0012%; no homozygotes.

Submissions (2):

Ambry Genetics
Classification: Uncertain significance. Last evaluated: 2026-07-20. Review status: criteria provided, single submitter. Criteria: Ambry Variant Classification Scheme 2023. Collection method: clinical testing. Allele origin: germline.

Labcorp Genetics (formerly Invitae), Labcorp
Classification: Uncertain significance. Last evaluated: 2023-05-22. Review status: criteria provided, single submitter. Criteria: Invitae Variant Classification Sherloc (09022015). Collection method: clinical testing. Allele origin: germline.
Comment: In summary, the available evidence is currently insufficient to determine the role of this variant in disease. Therefore, it has been classified as a Variant of Uncertain Significance. Advanced modeling of protein sequence and biophysical properties (such as structural, functional, and spatial information, amino acid conservation, physicochemical variation, residue mobility, and thermodynamic stability) performed at Invitae indicates that this missense variant is not expected to disrupt AQP1 protein function. This variant has not been reported in the literature in individuals affected with AQP1-related conditions. This variant is not present in population databases (gnomAD no frequency). This sequence change replaces arginine, which is basic and polar, with histidine, which is basic and polar, at codon 162 of the AQP1 protein (p.Arg162His).